The following is an entry in ClinVar:

NM_015164.4(PLEKHM2):c.98C>G (p.Pro33Arg)

Gene: PLEKHM2 (pleckstrin homology and RUN domain containing M2; plus strand). Cytogenetic location: 1p36.21.
Variant type: single nucleotide variant.
Coding change: c.98C>G on transcript NM_015164.4 (MANE Select); coding-DNA position 98, C replaced by G.
Protein change: p.Pro33Arg; replaces proline 33 with arginine.
Molecular consequence: missense variant.
Genome position (GRCh38, 1-based): chr1:15,716,274, C>G. VCF-style: chr1-15716274-C-G. GRCh37 (hg19) VCF-style: chr1-16042769-C-G.
Other names: short protein forms P33R.
Identifiers: ClinVar variation 956358 (VCV000956358.9), dbSNP rs760374432, ClinGen allele CA338577354.
Genomic context (GRCh38, chr1:15,716,274, plus strand): 5'-GGAGGTGTTTTTTTTTCTTTCAGTTGCAGAGCTATTTTGCTGCATGTGAGGATGAGATCC[C>G]TGCCATCCGGAACCATGACAAGGTCCTACAGCGTCTGTGTGAGCACCTGGACCACGCCCT-3'
Protein context (NP_055979.2, residues 23-43): SYFAACEDEI[Pro33Arg]AIRNHDKVLQ

ClinVar aggregate classification (germline): Uncertain significance (1 of 4 stars; one submission).

Submission:

Labcorp Genetics (formerly Invitae), Labcorp
Classification: Uncertain significance. Last evaluated: 2019-07-22. Review status: criteria provided, single submitter. Criteria: Invitae Variant Classification Sherloc (09022015). Collection method: clinical testing. Allele origin: germline.
Comment: In summary, the available evidence is currently insufficient to determine the role of this variant in disease. Therefore, it has been classified as a Variant of Uncertain Significance. Algorithms developed to predict the effect of missense changes on protein structure and function (SIFT, PolyPhen-2, Align-GVGD) all suggest that this variant is likely to be disruptive, but these predictions have not been confirmed by published functional studies and their clinical significance is uncertain. This variant has not been reported in the literature in individuals with PLEKHM2-related conditions. This variant is not present in population databases (ExAC no frequency). This sequence change replaces proline with arginine at codon 33 of the PLEKHM2 protein (p.Pro33Arg). The proline residue is highly conserved and there is a moderate physicochemical difference between proline and arginine.